The following is an entry in ClinVar:

ClinVar aggregate classification (germline): Uncertain significance. Review status: criteria provided, multiple submitters, no conflicts (2 of 4 stars). 3 submissions from 3 submitters: Uncertain significance (3). Last evaluated 2025-01-31.

Conditions:
Dilated cardiomyopathy 1DD (CMD1DD). Identifiers: Orphanet 154, MedGen C2750995, MONDO:0013168, OMIM 613172.

gnomAD v4.1: 5 of 1,551,450 alleles (0.00032%); highest among the groups gnomAD compares: Non-Finnish European, 0.00044%; no homozygotes.

Submissions (3):

Labcorp Genetics (formerly Invitae), Labcorp
Classification: Uncertain significance for Dilated cardiomyopathy 1DD. Last evaluated: 2025-01-31. Review status: criteria provided, single submitter. Criteria: Invitae Variant Classification Sherloc (09022015). Collection method: clinical testing. Allele origin: germline.
Comment: This sequence change replaces glutamic acid, which is acidic and polar, with aspartic acid, which is acidic and polar, at codon 618 of the RBM20 protein (p.Glu618Asp). This variant is not present in population databases (gnomAD no frequency). This variant has not been reported in the literature in individuals affected with RBM20-related conditions. ClinVar contains an entry for this variant (Variation ID: 3368149). Invitae Evidence Modeling of protein sequence and biophysical properties (such as structural, functional, and spatial information, amino acid conservation, physicochemical variation, residue mobility, and thermodynamic stability) indicates that this missense variant is not expected to disrupt RBM20 protein function with a negative predictive value of 95%. In summary, the available evidence is currently insufficient to determine the role of this variant in disease. Therefore, it has been classified as a Variant of Uncertain Significance.

GeneDx
Classification: Uncertain significance. Last evaluated: 2024-01-23. Review status: criteria provided, single submitter. Criteria: GeneDx Variant Classification Process June 2021. Collection method: clinical testing. Allele origin: germline. Affected: yes.
Comment: Has not been previously published as pathogenic or benign to our knowledge; Not observed at significant frequency in large population cohorts (gnomAD); In silico analysis supports that this missense variant does not alter protein structure/function

Mayo Clinic Laboratories, Mayo Clinic
Classification: Uncertain significance. Last evaluated: 2024-01-11. Review status: criteria provided, single submitter. Criteria: ACMG Guidelines, 2015. Collection method: clinical testing. Allele origin: germline. Observed: 1 variant allele.
Comment: PM2

NM_001134363.3(RBM20):c.1854G>T (p.Glu618Asp)

Gene: RBM20 (RNA binding motif protein 20; plus strand). Cytogenetic location: 10q25.2.
Variant type: single nucleotide variant.
Coding change: c.1854G>T on transcript NM_001134363.3 (MANE Select); coding-DNA position 1854, G replaced by T.
Protein change: p.Glu618Asp; replaces glutamic acid 618 with aspartic acid.
Molecular consequence: missense variant.
Genome position (GRCh38, 1-based): chr10:110,810,436, G>T. VCF-style: chr10-110810436-G-T. GRCh37 (hg19) VCF-style: chr10-112570194-G-T.
Other names: p.Glu618Asp; short protein forms E618D.
Identifiers: ClinVar variation 3368149 (VCV003368149.4).